The following is an entry in ClinVar:

ClinVar aggregate classification (germline): Likely benign. Review status: criteria provided, multiple submitters, no conflicts (2 of 4 stars). 3 submissions from 3 submitters: Likely benign (2). 1 of the submissions does not count toward it. Last evaluated 2025-02-09.

Conditions:
POLD1-related disorder. Also called: POLD1-related disorders; POLD1-related condition.
POLD1-related polyposis and colorectal cancer syndrome (CRCS10). Also called: Colorectal cancer 10; COLORECTAL CANCER, SUSCEPTIBILITY TO, ON CHROMOSOME 19q; Colorectal cancer, susceptibility to, 10. Identifiers: Orphanet 220460, MedGen C2675481, MONDO:0012953, OMIM 612591.
Hereditary cancer-predisposing syndrome. Also called: Tumor predisposition; Hereditary Cancer Syndrome; Hereditary neoplastic syndrome; Neoplastic Syndromes, Hereditary. Identifiers: Orphanet 140162, MedGen C0027672, MeSH D009386, MONDO:0015356.

Submissions (3):

Labcorp Genetics (formerly Invitae), Labcorp
Classification: Likely benign for POLD1-related polyposis and colorectal cancer syndrome. Last evaluated: 2025-02-09. Review status: criteria provided, single submitter. Criteria: Invitae Variant Classification Sherloc (09022015). Collection method: clinical testing. Allele origin: germline.

Ambry Genetics
Classification: Likely benign for Hereditary cancer-predisposing syndrome. Last evaluated: 2017-04-10. Review status: criteria provided, single submitter. Criteria: Ambry Variant Classification Scheme 2023. Collection method: clinical testing. Allele origin: germline.

PreventionGenetics, part of Exact Sciences
Classification: Likely benign for POLD1-related condition. Last evaluated: 2021-07-21. Review status: no assertion criteria provided. Collection method: clinical testing. Allele origin: germline. Not counted in ClinVar's aggregate classification.
Comment: This variant is classified as likely benign based on ACMG/AMP sequence variant interpretation guidelines (Richards et al. 2015 PMID: 25741868, with internal and published modifications).

NM_002691.4(POLD1):c.2961C>T (p.Asp987=)

Gene: POLD1 (DNA polymerase delta 1, catalytic subunit; plus strand). Cytogenetic location: 19q13.33.
Variant type: single nucleotide variant.
Coding change: c.2961C>T on transcript NM_002691.4 (MANE Select); coding-DNA position 2961, C replaced by T.
Protein change: p.Asp987=; no amino-acid change (aspartic acid 987 retained).
Molecular consequence: synonymous variant. On other transcripts: non-coding transcript variant (1).
Genome position (GRCh38, 1-based): chr19:50,416,617, C>T. VCF-style: chr19-50416617-C-T. GRCh37 (hg19) VCF-style: chr19-50919874-C-T.
Other names: c.2961C>T, p.Asp987= (NM_001256849.1); c.3039C>T, p.Asp1013= (NM_001308632.1); c.2961C>T (NM_002691.3).
Identifiers: ClinVar variation 484426 (VCV000484426.16), dbSNP rs1489398122, ClinGen allele CA508305385.